The following is an entry in ClinVar:

ClinVar aggregate classification (germline): Uncertain significance (1 of 4 stars; one submission).

Allele frequency attached by ClinVar (database versions not stated): gnomAD exomes below 0.00001; TOPMed 0.00001; gnomAD 0.00002.
gnomAD v4.1: 8 of 1,446,554 alleles (0.00055%); highest among the groups gnomAD compares: African/African-American, 0.0089%; no homozygotes.

Submission:

Labcorp Genetics (formerly Invitae), Labcorp
Classification: Uncertain significance. Last evaluated: 2024-10-16. Review status: criteria provided, single submitter. Criteria: Invitae Variant Classification Sherloc (09022015). Collection method: clinical testing. Allele origin: germline.
Comment: This sequence change replaces arginine, which is basic and polar, with histidine, which is basic and polar, at codon 36 of the TK2 protein (p.Arg36His). This variant is present in population databases (rs550285865, gnomAD 0.01%). This variant has not been reported in the literature in individuals affected with TK2-related conditions. ClinVar contains an entry for this variant (Variation ID: 1919097). Invitae Evidence Modeling of protein sequence and biophysical properties (such as structural, functional, and spatial information, amino acid conservation, physicochemical variation, residue mobility, and thermodynamic stability) indicates that this missense variant is not expected to disrupt TK2 protein function with a negative predictive value of 95%. In summary, the available evidence is currently insufficient to determine the role of this variant in disease. Therefore, it has been classified as a Variant of Uncertain Significance.

NM_004614.5(TK2):c.107G>A (p.Arg36His)

Genes: TK2 (thymidine kinase 2; minus strand), LOC130059156 (ATAC-STARR-seq lymphoblastoid silent region 7560; plus strand). Cytogenetic location: 16q21.
Variant type: single nucleotide variant.
Coding change: c.107G>A on transcript NM_004614.5 (MANE Select); coding-DNA position 107, G replaced by A.
Protein change: p.Arg36His; replaces arginine 36 with histidine.
Molecular consequence: missense variant. On other transcripts: 5 prime UTR variant (2), non-coding transcript variant (1), intron variant (2).
Genome position (GRCh38, 1-based): chr16:66,549,955, C>T on the plus strand (G>A on the coding strand, the complement: TK2 is on the minus strand). VCF-style: chr16-66549955-C-T. GRCh37 (hg19) VCF-style: chr16-66583858-C-T.
Other names: c.107G>A, p.Arg36His (NM_001172644.2, NM_001172645.2); c.-136G>A (NM_001271934.2); c.-546G>A (NM_001272050.2); c.31+298G>A (NM_001271935.1, NM_001172643.1); short protein forms R36H.
Identifiers: ClinVar variation 1919097 (VCV001919097.3), dbSNP rs550285865, ClinGen allele CA282199374.